The following is an entry in ClinVar:

ClinVar aggregate classification (germline): Uncertain significance (1 of 4 stars; one submission).

Conditions:
Oligodontia-cancer predisposition syndrome. Also called: TOOTH AGENESIS-COLORECTAL CANCER SYNDROME. Identifiers: Orphanet 300576, MedGen C1837750, MONDO:0012075, OMIM 608615. Disease mechanism: loss of function.

Submission:

Labcorp Genetics (formerly Invitae), Labcorp
Classification: Uncertain significance for Oligodontia-cancer predisposition syndrome. Last evaluated: 2019-10-29. Review status: criteria provided, single submitter. Criteria: Invitae Variant Classification Sherloc (09022015). Collection method: clinical testing. Allele origin: germline.
Comment: This variant has not been reported in the literature in individuals with AXIN2-related disease. This variant, c.425_427delACA, results in the deletion of 1 amino acid of the AXIN2 protein (p.Asn142del), but otherwise preserves the integrity of the reading frame. This variant is not present in population databases (ExAC no frequency). Experimental studies and prediction algorithms are not available for this variant, and the functional significance of the deleted amino acid is currently unknown. In summary, the available evidence is currently insufficient to determine the role of this variant in disease. Therefore, it has been classified as a Variant of Uncertain Significance.

NM_004655.4(AXIN2):c.422ACA[1] (p.Asn142del)

Gene: AXIN2 (axin 2; minus strand). Cytogenetic location: 17q24.1.
Variant type: Microsatellite.
Coding change: c.422ACA[1] on transcript NM_004655.4 (MANE Select); one copy of the 3-base unit ACA starting at c.422; the reference has two copies in a row; one copy, 3 bases deleted; also written c.425_427del.
Protein change: p.Asn142del; deletes asparagine 142.
Molecular consequence: inframe deletion.
Genome position (GRCh38, 1-based): chr17:65,558,194-65,558,196, TGT deleted on the plus strand (ACA on the coding strand, the reverse complement: AXIN2 is on the minus strand); deleting any 3 consecutive bases within chr17:65,558,194-65,558,200 gives the same sequence; the position shown is the placement nearest the transcript's 3' end. VCF-style (leftmost placement, unchanged base first): chr17-65558193-CTGT-C. GRCh37 (hg19) VCF-style: chr17-63554311-CTGT-C.
Other names: c.422ACA[1], p.Asn142del (NM_001363813.1); c.425_427del (NM_004655.3); short protein forms N142del.
Identifiers: ClinVar variation 578526 (VCV000578526.10), dbSNP rs1567769023, ClinGen allele CA891844429.